The following is an entry in ClinVar:

NM_001378477.3(NYX):c.226G>A (p.Ala76Thr)

Gene: NYX (nyctalopin; plus strand). Cytogenetic location: Xp11.4.
Variant type: single nucleotide variant.
Coding change: c.226G>A on transcript NM_001378477.3 (MANE Select); coding-DNA position 226, G replaced by A.
Protein change: p.Ala76Thr; replaces alanine 76 with threonine.
Molecular consequence: missense variant.
Genome position (GRCh38, 1-based): chrX:41,473,694, G>A. VCF-style: chrX-41473694-G-A. GRCh37 (hg19) VCF-style: chrX-41332947-G-A.
Other names: c.226G>A, p.Ala76Thr (NM_022567.3); short protein forms A76T.
Identifiers: ClinVar variation 3650586 (VCV003650586.2).

ClinVar aggregate classification (germline): Uncertain significance (1 of 4 stars; one submission).

Submission:

Labcorp Genetics (formerly Invitae), Labcorp
Classification: Uncertain significance. Last evaluated: 2024-04-24. Review status: criteria provided, single submitter. Criteria: Invitae Variant Classification Sherloc (09022015). Collection method: clinical testing. Allele origin: germline.
Comment: This sequence change replaces alanine, which is neutral and non-polar, with threonine, which is neutral and polar, at codon 81 of the NYX protein (p.Ala81Thr). This variant is not present in population databases (gnomAD no frequency). This variant has not been reported in the literature in individuals affected with NYX-related conditions. Advanced modeling of protein sequence and biophysical properties (such as structural, functional, and spatial information, amino acid conservation, physicochemical variation, residue mobility, and thermodynamic stability) performed at Invitae indicates that this missense variant is not expected to disrupt NYX protein function with a negative predictive value of 80%. In summary, the available evidence is currently insufficient to determine the role of this variant in disease. Therefore, it has been classified as a Variant of Uncertain Significance.